The following is an entry in ClinVar:

NM_006939.4(SOS2):c.944G>A (p.Arg315Lys)

Gene: SOS2 (SOS Ras/Rho guanine nucleotide exchange factor 2; minus strand). Cytogenetic location: 14q21.3.
Variant type: single nucleotide variant.
Coding change: c.944G>A on transcript NM_006939.4 (MANE Select); coding-DNA position 944, G replaced by A.
Protein change: p.Arg315Lys; replaces arginine 315 with lysine.
Molecular consequence: missense variant.
Genome position (GRCh38, 1-based): chr14:50,180,597, C>T on the plus strand (G>A on the coding strand, the complement: SOS2 is on the minus strand). VCF-style: chr14-50180597-C-T. GRCh37 (hg19) VCF-style: chr14-50647315-C-T.
Other names: short protein forms R315K.
Identifiers: ClinVar variation 1321417 (VCV001321417.8), dbSNP rs2139702139, ClinGen allele CA389646949.
Genomic context (GRCh38, chr14:50,180,597, plus strand): 5'-AAAAAAAAAAAAAAAAACCTTCAATTTAAGTTTACCTGAAAGTGTAGAGCAACTGCAGGT[C>T]TGGCCATCAATTTATTGAAATGTTCATGAAACTCTGGTGAAAGAATGTCCTGTGATAATG-3'
Protein context (NP_008870.2, residues 305-325): FHEHFNKLMA[Arg315Lys]PAVALHFQSI

ClinVar aggregate classification (germline): Uncertain significance. Review status: criteria provided, multiple submitters, no conflicts (2 of 4 stars). 3 submissions from 3 submitters: Uncertain significance (3). Last evaluated 2024-10-21.

Conditions:
Noonan syndrome 9 (NS9). Identifiers: Orphanet 648, MedGen C4225282, MONDO:0014691, OMIM 616559.

Submissions (3):

Labcorp Genetics (formerly Invitae), Labcorp
Classification: Uncertain significance for Noonan syndrome 9. Last evaluated: 2024-10-21. Review status: criteria provided, single submitter. Criteria: Invitae Variant Classification Sherloc (09022015). Collection method: clinical testing. Allele origin: germline.
Comment: This sequence change replaces arginine, which is basic and polar, with lysine, which is basic and polar, at codon 315 of the SOS2 protein (p.Arg315Lys). This variant is not present in population databases (gnomAD no frequency). This variant has not been reported in the literature in individuals affected with SOS2-related conditions. ClinVar contains an entry for this variant (Variation ID: 1321417). Invitae Evidence Modeling of protein sequence and biophysical properties (such as structural, functional, and spatial information, amino acid conservation, physicochemical variation, residue mobility, and thermodynamic stability) indicates that this missense variant is not expected to disrupt SOS2 protein function with a negative predictive value of 95%. In summary, the available evidence is currently insufficient to determine the role of this variant in disease. Therefore, it has been classified as a Variant of Uncertain Significance.

Women's Health and Genetics/Laboratory Corporation of America, LabCorp
Classification: Uncertain significance. Last evaluated: 2021-10-02. Review status: criteria provided, single submitter. Criteria: LabCorp Variant Classification Summary - May 2015. Collection method: clinical testing. Allele origin: germline.

Genome-Nilou Lab
Classification: Uncertain significance for Noonan syndrome 9. Review status: criteria provided, single submitter. Criteria: ACMG Guidelines, 2015. Collection method: clinical testing. Allele origin: germline.